The following is an entry in ClinVar:

NC_000019.9:g.(?_48339500)_(48343224_?)del

Gene: CRX (cone-rod homeobox; plus strand). Cytogenetic location: 19q13.33.
Variant type: Deletion.
Identifiers: ClinVar variation 1071706 (VCV001071706.1).

ClinVar aggregate classification (germline): Pathogenic (1 of 4 stars; one submission).

Conditions:
Leber congenital amaurosis 7 (LCA7). Identifiers: Orphanet 65, MedGen C3151192, MONDO:0013449, OMIM 613829.
Cone-rod dystrophy 2 (CORD2). Also called: CONE-ROD RETINAL DYSTROPHY; Cone-rod retinal dystrophy 2. Identifiers: Orphanet 1872, MedGen C3489532, MONDO:0007362, OMIM 120970.

Submission:

Labcorp Genetics (formerly Invitae), Labcorp
Classification: Pathogenic for Cone-rod dystrophy 2; Leber congenital amaurosis 7. Last evaluated: 2020-05-27. Review status: criteria provided, single submitter. Criteria: Invitae Variant Classification Sherloc (09022015). Collection method: clinical testing. Allele origin: germline.
Comment: This variant is a gross deletion of the genomic region encompassing exons 3-4 of the CRX gene. The 5' boundary is likely confined to intron 2. The 3' end of this event is unknown as it extends through the termination codon beyond the assayed region for this gene and may encompass additional genes. While this deletion is not anticipated to result in nonsense mediated decay, it is expected to create a truncated protein product or disrupt mRNA translation. A similar deletion has been observed in individual(s) with retinal dystrophy (PMID: 27032803, 29847639). It has also been observed to segregate with disease in related individuals. For these reasons, this variant has been classified as Pathogenic.

Literature cited by the submitters: PubMed 27032803; PubMed 29847639.